The following is an entry in ClinVar:

ClinVar aggregate classification (germline): Conflicting classifications of pathogenicity. Review status: criteria provided, conflicting classifications (1 of 4 stars). 8 submissions from 8 submitters: Uncertain significance (3); Likely benign (4). 1 of the submissions does not count toward it. Last evaluated 2026-08-02.

Conditions:
DNAI1-related disorder. Also called: DNAI1-related condition.
Primary ciliary dyskinesia. Also called: Ciliary dyskinesia. Identifiers: Orphanet 244, MedGen C0008780, MONDO:0016575, HP:0012265.
Kartagener syndrome (CILD1). Also called: Dextrocardia bronchiectasis and sinusitis; SIEWERT SYNDROME; IMMOTILE CILIA SYNDROME; POLYNESIAN BRONCHIECTASIS; CILIARY DYSKINESIA, PRIMARY, 1; CILIARY DYSKINESIA, PRIMARY, 1, WITH OR WITHOUT SITUS INVERSUS. Identifiers: Orphanet 244, MedGen C4551906, MONDO:0009484, OMIM 244400.

Allele frequency attached by ClinVar (database versions not stated): gnomAD 0.00029 and 0.00032; ExAC 0.00030; gnomAD exomes 0.00034 and 0.00038; ESP Exome Variant Server 0.00046; TOPMed 0.00060.
gnomAD v4.1: 560 of 1,614,094 alleles (0.035%); highest among the groups gnomAD compares: Admixed American, 0.058%; 2 homozygotes.

Submissions (8):

PreventionGenetics, part of Exact Sciences
Classification: Likely benign for DNAI1-related condition. Last evaluated: 2026-08-02. Review status: criteria provided, single submitter. Criteria: ACMG Guidelines, 2015. Collection method: clinical testing. Allele origin: germline.
Comment: This variant is classified as likely benign based on ACMG/AMP sequence variant interpretation guidelines (Richards et al. 2015 PMID: 25741868, with internal and published modifications).

CeGaT Center for Human Genetics Tuebingen
Classification: Likely benign. Last evaluated: 2026-03-01. Review status: criteria provided, single submitter. Criteria: CeGaT Center For Human Genetics Tuebingen Variant Classification Criteria Version 2. Collection method: clinical testing. Allele origin: germline. Affected: yes. Observed: 1 variant allele.
Comment: DNAI1: BP4

Labcorp Genetics (formerly Invitae), Labcorp
Classification: Likely benign for Primary ciliary dyskinesia. Last evaluated: 2026-01-25. Review status: criteria provided, single submitter. Criteria: Invitae Variant Classification Sherloc (09022015). Collection method: clinical testing. Allele origin: germline.

Blueprint Genetics
Classification: Uncertain significance. Last evaluated: 2024-10-25. Review status: criteria provided, single submitter. Criteria: ACMG Guidelines, 2015. Collection method: clinical testing. Allele origin: germline.

Mayo Clinic Laboratories, Mayo Clinic
Classification: Uncertain significance. Last evaluated: 2024-04-29. Review status: criteria provided, single submitter. Criteria: ACMG Guidelines, 2015. Collection method: clinical testing. Allele origin: germline. Observed: 1 variant allele.
Comment: BP4_strong

Illumina Laboratory Services, Illumina
Classification: Uncertain significance for Kartagener syndrome. Last evaluated: 2017-04-27. Review status: criteria provided, single submitter. Criteria: ICSL Variant Classification Criteria 13 December 2019. Collection method: clinical testing. Allele origin: germline.

Ambry Genetics
Classification: Likely benign for Primary ciliary dyskinesia. Last evaluated: 2016-02-03. Review status: criteria provided, single submitter. Criteria: Ambry Variant Classification Scheme 2023. Collection method: clinical testing. Allele origin: germline.

Natera, Inc.
Classification: Uncertain significance for Primary ciliary dyskinesia. Last evaluated: 2020-01-09. Review status: no assertion criteria provided. Collection method: clinical testing. Allele origin: germline. Not counted in ClinVar's aggregate classification.

NM_012144.4(DNAI1):c.551A>G (p.Lys184Arg)

Gene: DNAI1 (dynein axonemal intermediate chain 1; plus strand). Cytogenetic location: 9p13.3.
Variant type: single nucleotide variant.
Coding change: c.551A>G on transcript NM_012144.4 (MANE Select); coding-DNA position 551, A replaced by G.
Protein change: p.Lys184Arg; replaces lysine 184 with arginine.
Molecular consequence: missense variant.
Genome position (GRCh38, 1-based): chr9:34,490,418, A>G. VCF-style: chr9-34490418-A-G. GRCh37 (hg19) VCF-style: chr9-34490416-A-G.
Other names: p.Lys184Arg; c.551A>G (NM_012144.2); c.563A>G, p.Lys188Arg (NM_001281428.2); short protein forms K184R, K188R.
Identifiers: ClinVar variation 695316 (VCV000695316.25), dbSNP rs146203427, ClinGen allele CA5034102.
Genomic context (GRCh38, chr9:34,490,418, plus strand): 5'-TTTATTTTCAGGCAGCTGAAAAAGTGACTGAAGAAGAATTGATGACTCCTAAGCAGCCCA[A>G]GGAGAGAAAGCTCACTAACCAGTTCAACTTCAGTGAGAGGGCCTCACAGACCTACAACAA-3'
Protein context (NP_036276.1, residues 174-194): EEELMTPKQP[Lys184Arg]ERKLTNQFNF